The following is an entry in ClinVar:

ClinVar aggregate classification (germline): Uncertain significance (1 of 4 stars; one submission).

Conditions:
Hermansky-Pudlak syndrome 2 (HPS2). Also called: Platelet defects and oculocutaneous albinism. Identifiers: Orphanet 183678, Orphanet 79430, MedGen C1842362, MONDO:0011997, OMIM 608233.

Submission:

Labcorp Genetics (formerly Invitae), Labcorp
Classification: Uncertain significance for Hermansky-Pudlak syndrome 2. Last evaluated: 2022-04-20. Review status: criteria provided, single submitter. Criteria: Invitae Variant Classification Sherloc (09022015). Collection method: clinical testing. Allele origin: germline.
Comment: This sequence change replaces isoleucine, which is neutral and non-polar, with lysine, which is basic and polar, at codon 456 of the AP3B1 protein (p.Ile456Lys). This variant is not present in population databases (gnomAD no frequency). This variant has not been reported in the literature in individuals affected with AP3B1-related conditions. Algorithms developed to predict the effect of missense changes on protein structure and function (SIFT, PolyPhen-2, Align-GVGD) all suggest that this variant is likely to be tolerated. In summary, the available evidence is currently insufficient to determine the role of this variant in disease. Therefore, it has been classified as a Variant of Uncertain Significance.

NM_003664.5(AP3B1):c.1367T>A (p.Ile456Lys)

Gene: AP3B1 (adaptor related protein complex 3 subunit beta 1; minus strand). Cytogenetic location: 5q14.1.
Variant type: single nucleotide variant.
Coding change: c.1367T>A on transcript NM_003664.5 (MANE Select); coding-DNA position 1367, T replaced by A.
Protein change: p.Ile456Lys; replaces isoleucine 456 with lysine.
Molecular consequence: missense variant.
Genome position (GRCh38, 1-based): chr5:78,156,364, A>T on the plus strand (T>A on the coding strand, the complement: AP3B1 is on the minus strand). VCF-style: chr5-78156364-A-T. GRCh37 (hg19) VCF-style: chr5-77452188-A-T.
Other names: c.1220T>A, p.Ile407Lys (NM_001271769.2); c.1367T>A, p.Ile456Lys (NM_001410752.1); short protein forms I407K, I456K.
Identifiers: ClinVar variation 2128202 (VCV002128202.4), dbSNP rs536306260, ClinGen allele CA360189432.